The following is an entry in ClinVar:

ClinVar aggregate classification (germline): Pathogenic. Review status: criteria provided, single submitter (1 of 4 stars). 2 submissions from 2 submitters: Pathogenic (1). 1 of the submissions does not count toward it. Last evaluated 2025-02-27.

Conditions:
SHH-related disorder. Also called: SHH-related condition; SHH-related disorders.
Holoprosencephaly 3 (HPE3). Identifiers: Orphanet 2162, MedGen C1840529, MONDO:0007733, OMIM 142945.

Submissions (2):

Laboratory of Molecular Genetics, CHU Rennes
Classification: Pathogenic for Holoprosencephaly 3. Last evaluated: 2025-02-27. Review status: criteria provided, single submitter. Criteria: ACMG Guidelines, 2015. Collection method: clinical testing. Allele origin: paternal. Inheritance: Oligogenic inheritance. Affected: yes.
Comment: The NM_000193.4:c.1040C>A, is a missense variant in SHH in the Hint domain (PM1), absent from controls (PM2), predicted pathogenic by prediction tools (PP3).

PreventionGenetics, part of Exact Sciences
Classification: Likely pathogenic for SHH-related condition. Last evaluated: 2024-07-12. Review status: no assertion criteria provided. Collection method: clinical testing. Allele origin: germline. Not counted in ClinVar's aggregate classification.
Comment: The SHH c.1040C>A variant is predicted to result in the amino acid substitution p.Pro347Gln. This variant has been reported in a family with variable features of holoprosencephaly (HPE), ranging from alobar and semi-lobar HPE in affected fetuses to microcephaly and hypotelorism in the father and paternal relatives who also carried this variant (Dubourg et al. 2003. PubMed ID: 14711609; Dubourg et al. 2004. PubMed ID: 15221788; Mouden et al. 2016. PubMed ID: 26748417). Functional studies suggest this variant impacts protein function (Mouden et al. 2016. PubMed ID: 26748417; Hong et al. 2020. PubMed ID: 32939873). This variant has not been reported in a large population database, indicating this variant is rare. Other missense variants affecting this amino acid (p.Pro347Leu, p.Pro347Arg) have also been reported in individuals with HPE (Bendavid et al. 2009. PubMed ID: 19431187; Roessler et al. 2009. PubMed ID: 19603532). This variant is interpreted as likely pathogenic.

NM_000193.4(SHH):c.1040C>A (p.Pro347Gln)

Gene: SHH (sonic hedgehog signaling molecule; minus strand). Cytogenetic location: 7q36.3.
Variant type: single nucleotide variant.
Coding change: c.1040C>A on transcript NM_000193.4 (MANE Select); coding-DNA position 1040, C replaced by A.
Protein change: p.Pro347Gln; replaces proline 347 with glutamine.
Molecular consequence: missense variant. On other transcripts: intron variant (1).
Genome position (GRCh38, 1-based): chr7:155,803,249, G>T on the plus strand (C>A on the coding strand, the complement: SHH is on the minus strand). VCF-style: chr7-155803249-G-T. GRCh37 (hg19) VCF-style: chr7-155595943-G-T.
Other names: c.302-3004C>A (NM_001310462.2); short protein forms P347Q.
Identifiers: ClinVar variation 3345617 (VCV003345617.2).